The following is an entry in ClinVar:

ClinVar aggregate classification (germline): Uncertain significance (1 of 4 stars; one submission).

Allele frequency attached by ClinVar (database versions not stated): ExAC below 0.00001.

Submission:

Laboratory for Molecular Medicine, Mass General Brigham Personalized Medicine
Classification: Uncertain significance. Last evaluated: 2015-12-21. Review status: criteria provided, single submitter. Criteria: LMM Criteria. Collection method: clinical testing. Allele origin: germline. Observed: 2 variant alleles.
Comment: The p.Arg251Leu variant in TAZ has not been previously reported in individuals w ith cardiomyopathy or in large population studies. Computational prediction tool s and conservation analysis suggest that the p.Arg251Leu variant may not impact the protein, though this information is not predictive enough to rule out pathog enicity. In summary, the clinical significance of the p.Arg251Leu variant is unc ertain.

NM_000116.5(TAFAZZIN):c.752G>T (p.Arg251Leu)

Gene: TAFAZZIN (tafazzin, phospholipid-lysophospholipid transacylase; plus strand). Cytogenetic location: Xq28.
Variant type: single nucleotide variant.
Coding change: c.752G>T on transcript NM_000116.5 (MANE Select); coding-DNA position 752, G replaced by T.
Protein change: p.Arg251Leu; replaces arginine 251 with leucine.
Molecular consequence: missense variant. On other transcripts: non-coding transcript variant (1).
Genome position (GRCh38, 1-based): chrX:154,420,710, G>T. VCF-style: chrX-154420710-G-T. GRCh37 (hg19) VCF-style: chrX-153649049-G-T.
Other names: c.764G>T, p.Arg255Leu (NM_001303465.2); c.662G>T, p.Arg221Leu (NM_181311.4); c.710G>T, p.Arg237Leu (NM_181312.4); c.620G>T, p.Arg207Leu (NM_181313.4); short protein forms R251L, R207L, R221L, R255L, R237L.
Identifiers: ClinVar variation 42267 (VCV000042267.5), dbSNP rs397515748, ClinGen allele CA131110.